The following is an entry in ClinVar:

ClinVar aggregate classification (germline): Likely benign. Review status: criteria provided, multiple submitters, no conflicts (2 of 4 stars). 2 submissions from 2 submitters: Likely benign (2). Last evaluated 2025-11-28.

Conditions:
Spermatogenic failure 18. Identifiers: MedGen C4539783, MONDO:0054615, OMIM 617576.
Ciliary dyskinesia, primary, 37 (CILD37). Also called: CILIARY DYSKINESIA, PRIMARY, 37, WITH OR WITHOUT SITUS INVERSUS. Identifiers: MedGen C4539798, MONDO:0033204, OMIM 617577.

Allele frequency attached by ClinVar (database versions not stated): ExAC 0.00002; gnomAD exomes 0.00004 and 0.00026; gnomAD 0.00014 and 0.00015; TOPMed 0.00014; ESP Exome Variant Server 0.00015.

Submissions (2):

Labcorp Genetics (formerly Invitae), Labcorp
Classification: Likely benign for Ciliary dyskinesia, primary, 37; Spermatogenic failure 18. Last evaluated: 2025-11-28. Review status: criteria provided, single submitter. Criteria: Invitae Variant Classification Sherloc (09022015). Collection method: clinical testing. Allele origin: germline.

CeGaT Center for Human Genetics Tuebingen
Classification: Likely benign. Last evaluated: 2025-11-01. Review status: criteria provided, single submitter. Criteria: CeGaT Center For Human Genetics Tuebingen Variant Classification Criteria Version 2. Collection method: clinical testing. Allele origin: germline. Affected: yes. Observed: 1 variant allele.
Comment: DNAH1: BP4, BP7

NM_015512.5(DNAH1):c.1830A>G (p.Thr610=)

Gene: DNAH1 (dynein axonemal heavy chain 1; plus strand). Cytogenetic location: 3p21.1.
Variant type: single nucleotide variant.
Coding change: c.1830A>G on transcript NM_015512.5 (MANE Select); coding-DNA position 1830, A replaced by G.
Protein change: p.Thr610=; no amino-acid change (threonine 610 retained).
Molecular consequence: synonymous variant.
Genome position (GRCh38, 1-based): chr3:52,346,645, A>G. VCF-style: chr3-52346645-A-G. GRCh37 (hg19) VCF-style: chr3-52380661-A-G.
Identifiers: ClinVar variation 724445 (VCV000724445.13), dbSNP rs377324795, ClinGen allele CA2433058.